The following is an entry in ClinVar:

NM_001369.3(DNAH5):c.3835-3dup

Genes: DNAH5-AS1 (DNAH5 antisense RNA 1; plus strand), DNAH5 (dynein axonemal heavy chain 5; minus strand). Cytogenetic location: 5p15.2.
Variant type: Duplication.
Coding change: c.3835-3dup on transcript NM_001369.3 (MANE Select); 3 bases into the intron before coding-DNA position 3835, one base duplicated (T; older notation c.3835-3dupT).
Molecular consequence: intron variant.
Genome position (GRCh38, 1-based): chr5:13,867,995, A duplicated on the plus strand (T on the coding strand, the reverse complement: DNAH5 is on the minus strand); the first of 9 consecutive A bases (chr5:13,867,995-13,868,003); duplicating any one gives the same sequence. VCF-style (leftmost placement, unchanged base first): chr5-13867994-T-TA. GRCh37 (hg19) VCF-style: chr5-13868103-T-TA.
Other names: c.3835-3dupT (NM_001369.2).
Identifiers: ClinVar variation 454771 (VCV000454771.15), dbSNP rs35398031, ClinGen allele CA3204151.
Genomic context (GRCh38, chr5:13,867,994, plus strand): 5'-TTGTCTATCTCTTCCCTTGCTATCAGAAGTCCATATCTGTTAAGCAGGGCATAAGATTCC[T>TA]AAAAAAAAATAGGAAAAACTTAATTTTGGCCAGTCAGATGCATAAATCTACACACAGCCA-3'

ClinVar aggregate classification (germline): Benign/Likely benign. Review status: criteria provided, multiple submitters, no conflicts (2 of 4 stars). 3 submissions from 3 submitters: Benign (1); Likely benign (1). 1 of the submissions does not count toward it. Last evaluated 2026-04-30.

Conditions:
DNAH5-related disorder. Also called: DNAH5-related condition.
Primary ciliary dyskinesia. Also called: Ciliary dyskinesia. Identifiers: Orphanet 244, MedGen C0008780, MONDO:0016575, HP:0012265.

Submissions (3):

Ambry Genetics
Classification: Benign for Primary ciliary dyskinesia. Last evaluated: 2026-04-30. Review status: criteria provided, single submitter. Criteria: Ambry Variant Classification Scheme 2023. Collection method: clinical testing. Allele origin: germline.

Labcorp Genetics (formerly Invitae), Labcorp
Classification: Likely benign for Primary ciliary dyskinesia. Last evaluated: 2025-12-04. Review status: criteria provided, single submitter. Criteria: Invitae Variant Classification Sherloc (09022015). Collection method: clinical testing. Allele origin: germline.

PreventionGenetics, part of Exact Sciences
Classification: Likely benign for DNAH5-related condition. Last evaluated: 2020-01-27. Review status: no assertion criteria provided. Collection method: clinical testing. Allele origin: germline. Not counted in ClinVar's aggregate classification.
Comment: This variant is classified as likely benign based on ACMG/AMP sequence variant interpretation guidelines (Richards et al. 2015 PMID: 25741868, with internal and published modifications).